The following is an entry in ClinVar:

ClinVar aggregate classification (germline): Uncertain significance (1 of 4 stars; one submission).

Submission:

GeneDx
Classification: Uncertain significance. Last evaluated: 2025-03-04. Review status: criteria provided, single submitter. Criteria: GeneDx Variant Classification Process June 2021. Collection method: clinical testing. Allele origin: germline. Affected: yes.
Comment: In silico analysis supports that this missense variant has a deleterious effect on protein structure/function; Has not been previously published as pathogenic or benign to our knowledge

NM_001199799.2(ILDR1):c.605G>A (p.Arg202His)

Gene: ILDR1 (immunoglobulin like domain containing receptor 1; minus strand). Cytogenetic location: 3q13.33.
Variant type: single nucleotide variant.
Coding change: c.605G>A on transcript NM_001199799.2 (MANE Select); coding-DNA position 605, G replaced by A.
Protein change: p.Arg202His; replaces arginine 202 with histidine.
Molecular consequence: missense variant. On other transcripts: intron variant (1).
Genome position (GRCh38, 1-based): chr3:122,001,349, C>T on the plus strand (G>A on the coding strand, the complement: ILDR1 is on the minus strand). VCF-style: chr3-122001349-C-T. GRCh37 (hg19) VCF-style: chr3-121720196-C-T.
Other names: c.605G>A, p.Arg202His (NM_175924.4); c.379+3895G>A (NM_001199800.2); short protein forms R202H.
Identifiers: ClinVar variation 4082670 (VCV004082670.1).